The following is an entry in ClinVar:

ClinVar aggregate classification (germline): Uncertain significance (1 of 4 stars; one submission).

Conditions:
Combined immunodeficiency due to DOCK8 deficiency (HIES2). Also called: Hyper-IgE recurrent infection syndrome, autosomal recessive; HIES autosomal recessive; HYPER-IgE SYNDROME 2, AUTOSOMAL RECESSIVE, WITH RECURRENT INFECTIONS; DOCK8 Deficiency; HYPER-IgE RECURRENT INFECTION SYNDROME 2, AUTOSOMAL RECESSIVE. Identifiers: Orphanet 217390, MedGen C4722305, MONDO:0009478, OMIM 243700.

Submission:

Labcorp Genetics (formerly Invitae), Labcorp
Classification: Uncertain significance for Combined immunodeficiency due to DOCK8 deficiency. Last evaluated: 2022-05-11. Review status: criteria provided, single submitter. Criteria: Invitae Variant Classification Sherloc (09022015). Collection method: clinical testing. Allele origin: germline.
Comment: This sequence change replaces isoleucine, which is neutral and non-polar, with methionine, which is neutral and non-polar, at codon 42 of the DOCK8 protein (p.Ile42Met). In summary, the available evidence is currently insufficient to determine the role of this variant in disease. Therefore, it has been classified as a Variant of Uncertain Significance. Algorithms developed to predict the effect of missense changes on protein structure and function (SIFT, PolyPhen-2, Align-GVGD) all suggest that this variant is likely to be tolerated. This variant has not been reported in the literature in individuals affected with DOCK8-related conditions. This variant is not present in population databases (gnomAD no frequency).

NM_203447.4(DOCK8):c.126A>G (p.Ile42Met)

Gene: DOCK8 (dedicator of cytokinesis 8; plus strand). Cytogenetic location: 9p24.3.
Variant type: single nucleotide variant.
Coding change: c.126A>G on transcript NM_203447.4 (MANE Select); coding-DNA position 126, A replaced by G.
Protein change: p.Ile42Met; replaces isoleucine 42 with methionine.
Molecular consequence: missense variant.
Genome position (GRCh38, 1-based): chr9:271,699, A>G. VCF-style: chr9-271699-A-G. GRCh37 (hg19) VCF-style: chr9-271699-A-G.
Other names: short protein forms I42M.
Identifiers: ClinVar variation 1993083 (VCV001993083.4), dbSNP rs962341270, ClinGen allele CA372752400.